The following is an entry in ClinVar:

ClinVar aggregate classification (germline): Likely benign. Review status: criteria provided, single submitter (1 of 4 stars). 2 submissions from 2 submitters: Likely benign (1). 1 of the submissions does not count toward it. Last evaluated 2022-05-01.

Conditions:
TUBGCP2-related disorder. Also called: TUBGCP2-related condition.

Allele frequency attached by ClinVar (database versions not stated): ESP Exome Variant Server 0.00223; 1000 Genomes Project 0.00240; 1000 Genomes Project 30x 0.00265.
gnomAD v4.1: 1,298 of 1,584,422 alleles (0.082%); highest among the groups gnomAD compares: African/African-American, 0.64%; 3 homozygotes.

Submissions (8):

CeGaT Center for Human Genetics Tuebingen
Classification: Likely benign. Last evaluated: 2022-05-01. Review status: criteria provided, single submitter. Criteria: CeGaT Center For Human Genetics Tuebingen Variant Classification Criteria Version 2. Collection method: clinical testing. Allele origin: germline. Affected: yes. Observed: 1 variant allele.
Comment: TUBGCP2: BP4

PreventionGenetics, part of Exact Sciences
Classification: Likely benign for TUBGCP2-related condition. Last evaluated: 2023-09-29. Review status: no assertion criteria provided. Collection method: clinical testing. Allele origin: germline. Not counted in ClinVar's aggregate classification.
Comment: This variant is classified as likely benign based on ACMG/AMP sequence variant interpretation guidelines (Richards et al. 2015 PMID: 25741868, with internal and published modifications).

Dr. Peter K. Rogan Lab, Western University
No classification provided (evidence only). Condition: Uterine corpus endometrial carcinoma. Review status: no classification provided. Collection method: in vitro. Allele origin: not applicable. Functional consequence: retained intron. Not counted in ClinVar's aggregate classification.

Dr. Peter K. Rogan Lab, Western University
No classification provided (evidence only). Condition: Uterine corpus endometrial carcinoma. Review status: no classification provided. Collection method: in vitro. Allele origin: not applicable. Functional consequence: retained intron. Not counted in ClinVar's aggregate classification.

Dr. Peter K. Rogan Lab, Western University
No classification provided (evidence only). Condition: Uterine corpus endometrial carcinoma. Review status: no classification provided. Collection method: in vitro. Allele origin: not applicable. Functional consequence: retained intron. Not counted in ClinVar's aggregate classification.

Dr. Peter K. Rogan Lab, Western University
No classification provided (evidence only). Condition: Cervical cancer. Review status: no classification provided. Collection method: in vitro. Allele origin: not applicable. Functional consequence: retained intron. Not counted in ClinVar's aggregate classification.

Dr. Peter K. Rogan Lab, Western University
No classification provided (evidence only). Condition: Cervical cancer. Review status: no classification provided. Collection method: in vitro. Allele origin: not applicable. Functional consequence: retained intron. Not counted in ClinVar's aggregate classification.

Dr. Peter K. Rogan Lab, Western University
No classification provided (evidence only). Condition: Gastric cancer. Review status: no classification provided. Collection method: in vitro. Allele origin: not applicable. Functional consequence: retained intron. Not counted in ClinVar's aggregate classification.

NM_006659.4(TUBGCP2):c.2290-5C>A

Gene: TUBGCP2 (tubulin gamma complex component 2; minus strand). Cytogenetic location: 10q26.3.
Variant type: single nucleotide variant.
Coding change: c.2290-5C>A on transcript NM_006659.4 (MANE Select); 5 bases into the intron before coding-DNA position 2290, C replaced by A.
Molecular consequence: intron variant.
Genome position (GRCh38, 1-based): chr10:133,282,347, G>T on the plus strand (C>A on the coding strand, the complement: TUBGCP2 is on the minus strand). VCF-style: chr10-133282347-G-T. GRCh37 (hg19) VCF-style: chr10-135095851-G-T.
Other names: NC_000010.10:g.135095851G>T; c.2374-5C>A (NM_001256617.1, NM_001256617.2); c.1900-5C>A (NM_001256618.2).
Identifiers: ClinVar variation 1694574 (VCV001694574.33), dbSNP rs112390120, ClinGen allele CA5763559.